The following is an entry in ClinVar:

NM_000329.3(RPE65):c.1534G>A (p.Glu512Lys)

Gene: RPE65 (retinoid isomerohydrolase RPE65; minus strand). Cytogenetic location: 1p31.3.
Variant type: single nucleotide variant.
Coding change: c.1534G>A on transcript NM_000329.3 (MANE Select); coding-DNA position 1534, G replaced by A.
Protein change: p.Glu512Lys; replaces glutamic acid 512 with lysine.
Molecular consequence: missense variant.
Genome position (GRCh38, 1-based): chr1:68,429,844, C>T on the plus strand (G>A on the coding strand, the complement: RPE65 is on the minus strand). VCF-style: chr1-68429844-C-T. GRCh37 (hg19) VCF-style: chr1-68895527-C-T.
Other names: c.1426G>A, p.Glu476Lys (NM_001406853.1); c.1258G>A, p.Glu420Lys (NM_001406856.1, NM_001406857.1); short protein forms E420K, E512K, E476K.
Identifiers: ClinVar variation 2934111 (VCV002934111.3), dbSNP rs763660740, ClinGen allele CA902135.

ClinVar aggregate classification (germline): Uncertain significance (1 of 4 stars; one submission).

Conditions:
Retinitis pigmentosa 20 (RP20). Identifiers: Orphanet 791, MedGen C3151086, MONDO:0013425, OMIM 613794.
Leber congenital amaurosis 2 (LCA2). Also called: AMAUROSIS CONGENITA OF LEBER II; Autosomal Recessive RPE65-Related Retinal Degeneration. Identifiers: Orphanet 65, MedGen C1859844, MONDO:0008765, OMIM 204100. Disease mechanism: loss of function.

Allele frequency attached by ClinVar (database versions not stated): gnomAD exomes below 0.00001; ExAC 0.00001.
gnomAD v4.1: 3 of 1,613,864 alleles (0.00019%); highest among the groups gnomAD compares: Non-Finnish European, 0.00025%; no homozygotes.

Submission:

Labcorp Genetics (formerly Invitae), Labcorp
Classification: Uncertain significance for Leber congenital amaurosis 2; Retinitis pigmentosa 20. Last evaluated: 2024-03-04. Review status: criteria provided, single submitter. Criteria: Invitae Variant Classification Sherloc (09022015). Collection method: clinical testing. Allele origin: germline.
Comment: This sequence change replaces glutamic acid, which is acidic and polar, with lysine, which is basic and polar, at codon 512 of the RPE65 protein (p.Glu512Lys). This variant is present in population databases (rs763660740, gnomAD 0.0009%). This variant has not been reported in the literature in individuals affected with RPE65-related conditions. Advanced modeling of protein sequence and biophysical properties (such as structural, functional, and spatial information, amino acid conservation, physicochemical variation, residue mobility, and thermodynamic stability) has been performed at Invitae for this missense variant, however the output from this modeling did not meet the statistical confidence thresholds required to predict the impact of this variant on RPE65 protein function. In summary, the available evidence is currently insufficient to determine the role of this variant in disease. Therefore, it has been classified as a Variant of Uncertain Significance.